The following is an entry in ClinVar:

ClinVar aggregate classification (germline): Benign/Likely benign. Review status: criteria provided, multiple submitters, no conflicts (2 of 4 stars). 5 submissions from 5 submitters: Benign (1); Likely benign (4). Last evaluated 2025-09-23.

Conditions:
Marfan syndrome (MFS). Also called: Marfan syndrome, classic; Marfan syndrome type 1; Marfan's syndrome; MARFAN SYNDROME, TYPE I; FBN1-Related Marfan Syndrome. Identifiers: Orphanet 284963, Orphanet 558, MedGen C0024796, MONDO:0007947, OMIM 154700.
Familial thoracic aortic aneurysm and aortic dissection (TAAD). Also called: Thoracic aortic aneurysms and dissections. Identifiers: Orphanet 91387, MedGen C4707243, MONDO:0019625.

Allele frequency attached by ClinVar (database versions not stated): gnomAD exomes 0.00001; ExAC 0.00001; gnomAD 0.00004 and 0.00005; TOPMed 0.00009.
gnomAD v4.1: 16 of 1,613,884 alleles (0.00099%); highest among the groups gnomAD compares: African/African-American, 0.02%; no homozygotes.

Submissions (5):

Labcorp Genetics (formerly Invitae), Labcorp
Classification: Benign for Marfan syndrome; Familial thoracic aortic aneurysm and aortic dissection. Last evaluated: 2025-09-23. Review status: criteria provided, single submitter. Criteria: Invitae Variant Classification Sherloc (09022015). Collection method: clinical testing. Allele origin: germline.

All of Us Research Program, National Institutes of Health
Classification: Likely benign for Marfan syndrome. Last evaluated: 2023-12-18. Review status: criteria provided, single submitter. Criteria: ACMG Guidelines, 2015. Collection method: clinical testing. Allele origin: germline. Inheritance: Autosomal dominant inheritance. Observed: 4 variant alleles, 4 heterozygotes.
Comment: This study involves interpretation of variants in research participants for the purpose of population health screening. Participant phenotype was not available at the time of variant classification. Additional details can be found in publication PMID: 35346344, PMCID: PMC8962531

Ambry Genetics
Classification: Likely benign for Familial thoracic aortic aneurysm and aortic dissection. Last evaluated: 2022-07-10. Review status: criteria provided, single submitter. Criteria: Ambry Variant Classification Scheme 2023. Collection method: clinical testing. Allele origin: germline.

Color Diagnostics, LLC DBA Color Health
Classification: Likely benign for Familial thoracic aortic aneurysm and aortic dissection. Last evaluated: 2019-12-23. Review status: criteria provided, single submitter. Criteria: ACMG Guidelines, 2015. Collection method: clinical testing. Allele origin: germline.

GeneDx
Classification: Likely benign. Last evaluated: 2016-02-09. Review status: criteria provided, single submitter. Criteria: GeneDx Variant Classification (06012015). Collection method: clinical testing. Allele origin: germline. Affected: yes.
Comment: This variant is considered likely benign or benign based on one or more of the following criteria: it is a conservative change, it occurs at a poorly conserved position in the protein, it is predicted to be benign by multiple in silico algorithms, and/or has population frequency not consistent with disease.

NM_000138.5(FBN1):c.7743C>T (p.Cys2581=)

Gene: FBN1 (fibrillin 1; minus strand). Cytogenetic location: 15q21.1.
Variant type: single nucleotide variant.
Coding change: c.7743C>T on transcript NM_000138.5 (MANE Select); coding-DNA position 7743, C replaced by T.
Protein change: p.Cys2581=; no amino-acid change (cysteine 2581 retained).
Molecular consequence: synonymous variant.
Genome position (GRCh38, 1-based): chr15:48,420,763, G>A on the plus strand (C>T on the coding strand, the complement: FBN1 is on the minus strand). VCF-style: chr15-48420763-G-A. GRCh37 (hg19) VCF-style: chr15-48712960-G-A.
Identifiers: ClinVar variation 383498 (VCV000383498.9), dbSNP rs765772116, ClinGen allele CA059162.
Genomic context (GRCh38, chr15:48,420,763, plus strand): 5'-CTGGTAGTGCTGGAGGTAGCCCTGGGGGCAGCTGCACCTGTAGCCCCCAATGATGTTCTG[G>A]CAGCCATGCTGGCAGCGGTGGTTACCCTCACACTCGTCCACGTCTGAAAAAGAAGCAGAG-3'
Protein context (NP_000129.3, residues 2571-2591): CEGNHRCQHG[Cys2581=]QNIIGGYRCS